The following is an entry in ClinVar:

ClinVar aggregate classification (germline): Uncertain significance (1 of 4 stars; one submission).

Submission:

GeneDx
Classification: Uncertain significance. Last evaluated: 2019-10-03. Review status: criteria provided, single submitter. Criteria: GeneDx Variant Classification Process June 2021. Collection method: clinical testing. Allele origin: germline. Affected: yes.
Comment: Not observed in large population cohorts (Lek et al., 2016); In silico analysis, which includes protein predictors and evolutionary conservation, supports a deleterious effect; Has not been previously published as pathogenic or benign to our knowledge

NM_015107.3(PHF8):c.2572C>T (p.Arg858Cys)

Gene: PHF8 (PHD finger protein 8; minus strand). Cytogenetic location: Xp11.22.
Variant type: single nucleotide variant.
Coding change: c.2572C>T on transcript NM_015107.3 (MANE Select); coding-DNA position 2572, C replaced by T.
Protein change: p.Arg858Cys; replaces arginine 858 with cysteine.
Molecular consequence: missense variant.
Genome position (GRCh38, 1-based): chrX:53,944,211, G>A on the plus strand (C>T on the coding strand, the complement: PHF8 is on the minus strand). VCF-style: chrX-53944211-G-A. GRCh37 (hg19) VCF-style: chrX-53970644-G-A.
Other names: c.2680C>T, p.Arg894Cys (NM_001184896.1); c.2269C>T, p.Arg757Cys (NM_001184897.2); c.2521C>T, p.Arg841Cys (NM_001184898.2); short protein forms R858C, R757C, R841C, R894C.
Identifiers: ClinVar variation 432316 (VCV000432316.4), dbSNP rs1557084429, ClinGen allele CA413242131.
Genomic context (GRCh38, chrX:53,944,211, plus strand): 5'-CAGCTGCTGCAGCCAAACCTGTCTCAATAGAGGCTACCCGGGTCCCCTCACGCACAGGAC[G>A]GTCCTGCTTCGGCAGAGTTGGGGTCACGCGGGCTGCAAGGGAAACAGGATGAGAAGGTGT-3'
Protein context (NP_055922.1, residues 848-868): RVTPTLPKQD[Arg858Cys]PVREGTRVAS